The following is an entry in ClinVar:

NM_001943.5(DSG2):c.1277C>T (p.Ala426Val)

Gene: DSG2 (desmoglein 2; plus strand). Cytogenetic location: 18q12.1.
Variant type: single nucleotide variant.
Coding change: c.1277C>T on transcript NM_001943.5 (MANE Select); coding-DNA position 1277, C replaced by T.
Protein change: p.Ala426Val; replaces alanine 426 with valine.
Molecular consequence: missense variant.
Genome position (GRCh38, 1-based): chr18:31,531,249, C>T. VCF-style: chr18-31531249-C-T. GRCh37 (hg19) VCF-style: chr18-29111212-C-T.
Other names: c.1277C>T (LRG_397t1); short protein forms A426V.
Identifiers: ClinVar variation 466330 (VCV000466330.8), dbSNP rs1555627137, ClinGen allele CA402139697.
Genomic context (GRCh38, chr18:31,531,249, plus strand): 5'-AAGGCCAAATAATTGGAAATTTTCAAGCTTTTGATGAGGACACTGGACTACCAGCCCATG[C>T]AAGGTAAGAGAGAGTGACACGTGTATTTCTTTATTTTAAATTATTTTCAGTGCCTATTTT-3'
Protein context (NP_001934.2, residues 416-436): FDEDTGLPAH[Ala426Val]RYVKLEDRDN

ClinVar aggregate classification (germline): Uncertain significance (1 of 4 stars; one submission).

Conditions:
Arrhythmogenic right ventricular dysplasia 10. Also called: Arrhythmogenic right ventricular dysplasia/cardiomyopathy, type 10; Arrhythmogenic Right Ventricular Dysplasia/Cardiomyopathy10; ARRHYTHMOGENIC RIGHT VENTRICULAR DYSPLASIA, FAMILIAL, 10. Identifiers: MedGen C1857777, MONDO:0012434, OMIM 610193.

Submission:

Labcorp Genetics (formerly Invitae), Labcorp
Classification: Uncertain significance for Arrhythmogenic right ventricular dysplasia 10. Last evaluated: 2017-02-02. Review status: criteria provided, single submitter. Criteria: Invitae Variant Classification Sherloc (09022015). Collection method: clinical testing. Allele origin: germline.
Comment: This sequence change replaces alanine with valine at codon 426 of the DSG2 protein (p.Ala426Val). The alanine residue is weakly conserved and there is a small physicochemical difference between alanine and valine. Algorithms developed to predict the effect of sequence changes on RNA splicing suggest that this variant may alter RNA splicing, but this prediction has not been confirmed by published transcriptional studies. In summary, this variant is a novel missense change that is not predicted to affect protein function but to affect mRNA splicing. There is no indication that it causes disease, but the available evidence is currently insufficient to prove that conclusively. Therefore, it has been classified as a Variant of Uncertain Significance. This variant is not present in population databases (ExAC no frequency) and has not been reported in the literature in individuals with a DSG2-related disease. Algorithms developed to predict the effect of missense changes on protein structure and function output the following: (SIFT: "Tolerated"; PolyPhen-2: "Benign"; Align-GVGD: "Class C0"). The valine amino acid residue is found in multiple mammalian species, suggesting that this missense change does not adversely affect protein function. These predictions have not been confirmed by published functional studies.